The following is an entry in ClinVar:

NM_001277313.2(FMN1):c.2044-1976G>C

Gene: FMN1 (formin 1; minus strand). Cytogenetic location: 15q13.3.
Variant type: single nucleotide variant.
Coding change: c.2044-1976G>C on transcript NM_001277313.2 (MANE Select); 1976 bases into the intron before coding-DNA position 2044, G replaced by C.
Molecular consequence: intron variant. On other transcripts: missense variant (1).
Genome position (GRCh38, 1-based): chr15:33,067,050, C>G on the plus strand (G>C on the coding strand, the complement: FMN1 is on the minus strand). VCF-style: chr15-33067050-C-G. GRCh37 (hg19) VCF-style: chr15-33359251-C-G.
Other names: c.835G>C, p.Gly279Arg (NM_001103184.4); short protein forms G279R.
Identifiers: ClinVar variation 2095440 (VCV002095440.4), dbSNP rs1194286273, ClinGen allele CA391570745.

ClinVar aggregate classification (germline): Uncertain significance (1 of 4 stars; one submission).

gnomAD v4.1: 10 of 1,613,948 alleles (0.00062%); highest among the groups gnomAD compares: Non-Finnish European, 0.00085%; no homozygotes.

Submission:

Labcorp Genetics (formerly Invitae), Labcorp
Classification: Uncertain significance. Last evaluated: 2023-09-29. Review status: criteria provided, single submitter. Criteria: Invitae Variant Classification Sherloc (09022015). Collection method: clinical testing. Allele origin: germline.
Comment: In summary, the available evidence is currently insufficient to determine the role of this variant in disease. Therefore, it has been classified as a Variant of Uncertain Significance. Experimental studies and prediction algorithms are not available or were not evaluated, and the functional significance of this variant is currently unknown. ClinVar contains an entry for this variant (Variation ID: 2095440). This variant has not been reported in the literature in individuals affected with FMN1-related conditions. This variant is present in population databases (no rsID available, gnomAD 0.0009%). This sequence change replaces glycine, which is neutral and non-polar, with arginine, which is basic and polar, at codon 279 of the FMN1 protein (p.Gly279Arg).